The following is an entry in ClinVar:

NM_005219.5(DIAPH1):c.3054GTT[1] (p.Leu1020del)

Gene: DIAPH1 (diaphanous related formin 1; minus strand). Cytogenetic location: 5q31.3.
Variant type: Microsatellite.
Coding change: c.3054GTT[1] on transcript NM_005219.5 (MANE Select); one copy of the 3-base unit GTT starting at c.3054; the reference has two copies in a row; one copy, 3 bases deleted.
Protein change: p.Leu1020del; deletes leucine 1020.
Molecular consequence: inframe deletion.
Genome position (GRCh38, 1-based): chr5:141,528,542-141,528,544, AAC deleted on the plus strand (GTT on the coding strand, the reverse complement: DIAPH1 is on the minus strand); deleting any 3 consecutive bases within chr5:141,528,542-141,528,547 gives the same sequence; the position shown is the placement nearest the transcript's 3' end. VCF-style (leftmost placement, unchanged base first): chr5-141528541-TAAC-T. GRCh37 (hg19) VCF-style: chr5-140908108-TAAC-T.
Other names: c.3027GTT[1], p.Leu1011del (NM_001079812.3); c.3054GTT[1], p.Leu1020del (NM_001314007.2); short protein forms L1011del, L1020del.
Identifiers: ClinVar variation 1307573 (VCV001307573.3), dbSNP rs1174667131, ClinGen allele CA804798174.

ClinVar aggregate classification (germline): Uncertain significance. Review status: criteria provided, multiple submitters, no conflicts (2 of 4 stars). 2 submissions from 2 submitters: Uncertain significance (2). Last evaluated 2024-11-21.

Submissions (2):

Blueprint Genetics
Classification: Uncertain significance. Last evaluated: 2024-11-21. Review status: criteria provided, single submitter. Criteria: ACMG Guidelines, 2015. Collection method: clinical testing. Allele origin: germline.

GeneDx
Classification: Uncertain significance. Last evaluated: 2019-08-08. Review status: criteria provided, single submitter. Criteria: GeneDx Variant Classification Process June 2021. Collection method: clinical testing. Allele origin: germline. Affected: yes.
Comment: In-frame deletion of 1 amino acid in a non-repeat region; Not observed in large population cohorts (Lek et al., 2016); In silico analysis, which includes protein predictors and evolutionary conservation, supports a deleterious effect; Has not been previously published as pathogenic or benign to our knowledge